The following is an entry in ClinVar:

ClinVar aggregate classification (germline): Likely benign. Review status: criteria provided, single submitter (1 of 4 stars). 2 submissions from 2 submitters: Likely benign (1). 1 of the submissions does not count toward it. Last evaluated 2025-10-20.

Conditions:
PROM1-related disorder. Also called: PROM1-related disorders; PROM1-related condition.

Allele frequency attached by ClinVar (database versions not stated): gnomAD 0.00001; TOPMed 0.00001; gnomAD exomes 0.00002 and 0.00007; ExAC 0.00006.
gnomAD v4.1: 34 of 1,610,042 alleles (0.0021%); highest among the groups gnomAD compares: Admixed American, 0.034%; no homozygotes.

Submissions (2):

Labcorp Genetics (formerly Invitae), Labcorp
Classification: Likely benign. Last evaluated: 2025-10-20. Review status: criteria provided, single submitter. Criteria: Invitae Variant Classification Sherloc (09022015). Collection method: clinical testing. Allele origin: germline.

PreventionGenetics, part of Exact Sciences
Classification: Likely benign for PROM1-related condition. Last evaluated: 2020-11-30. Review status: no assertion criteria provided. Collection method: clinical testing. Allele origin: germline. Not counted in ClinVar's aggregate classification.
Comment: This variant is classified as likely benign based on ACMG/AMP sequence variant interpretation guidelines (Richards et al. 2015 PMID: 25741868, with internal and published modifications).

NM_006017.3(PROM1):c.9C>T (p.Leu3=)

Gene: PROM1 (prominin 1; minus strand). Cytogenetic location: 4p15.32.
Variant type: single nucleotide variant.
Coding change: c.9C>T on transcript NM_006017.3 (MANE Select); coding-DNA position 9, C replaced by T.
Protein change: p.Leu3=; no amino-acid change (leucine 3 retained).
Molecular consequence: synonymous variant.
Genome position (GRCh38, 1-based): chr4:16,075,898, G>A on the plus strand (C>T on the coding strand, the complement: PROM1 is on the minus strand). VCF-style: chr4-16075898-G-A. GRCh37 (hg19) VCF-style: chr4-16077521-G-A.
Other names: c.9C>T, p.Leu3= (NM_001145847.2, NM_001145848.2, NM_001145849.2 and 6 more transcripts); c.9C>T (NM_006017.2).
Identifiers: ClinVar variation 1463724 (VCV001463724.10), dbSNP rs781658379, ClinGen allele CA2867203.